The following is an entry in ClinVar:

ClinVar aggregate classification (germline): Likely pathogenic (1 of 4 stars; one submission).

Conditions:
Spermatogenic failure 65 (SPGF65). Identifiers: MedGen C5562067, MONDO:0030531, OMIM 619712.

Submission:

Juno Genomics, Hangzhou Juno Genomics, Inc
Classification: Likely pathogenic for Spermatogenic failure 65. Review status: criteria provided, single submitter. Criteria: ACMG Guidelines, 2015. Collection method: clinical testing. Allele origin: germline.
Comment: Absent from controls (or at extremely low frequency if recessive) in Genome Aggregation Database.;Null variant in a gene where loss of function (LOF) is a known mechanism of disease.

NM_144666.3(DNHD1):c.893_894del (p.Leu298fs)

Gene: DNHD1 (dynein heavy chain domain 1; plus strand). Cytogenetic location: 11p15.4.
Variant type: Microsatellite.
Coding change: c.893_894del on transcript NM_144666.3 (MANE Select); coding-DNA positions 893 to 894, 2 bases deleted (TC; older notation c.893_894delTC).
Protein change: p.Leu298fs; shifts the reading frame from leucine 298.
Molecular consequence: frameshift variant.
Genome position (GRCh38, 1-based): chr11:6,502,899-6,502,900, TC deleted; deleting any 2 consecutive bases within chr11:6,502,897-6,502,900 gives the same sequence; the c. name uses the placement nearest the transcript's 3' end. VCF-style (leftmost placement, unchanged base first): chr11-6502896-ATC-A. GRCh37 (hg19) VCF-style: chr11-6524126-ATC-A.
Other names: c.893_894del, p.Leu298fs (NM_173589.4); short protein forms L298fs.
Identifiers: ClinVar variation 5019911 (VCV005019911.2).